The following is an entry in ClinVar:

ClinVar aggregate classification (germline): Uncertain significance (1 of 4 stars; one submission).

Conditions:
Cardiovascular phenotype. Identifiers: MedGen CN230736.

Allele frequency attached by ClinVar (database versions not stated): gnomAD exomes 0.00004; TOPMed 0.00001; gnomAD 0.00002.
gnomAD v4.1: 61 of 1,603,834 alleles (0.0038%); highest among the groups gnomAD compares: Non-Finnish European, 0.005%; no homozygotes.

Submission:

Ambry Genetics
Classification: Uncertain significance for Cardiovascular phenotype. Last evaluated: 2025-12-16. Review status: criteria provided, single submitter. Criteria: Ambry Variant Classification Scheme 2023. Collection method: clinical testing. Allele origin: germline.
Comment: The p.A367S variant (also known as c.1099G>T), located in coding exon 13 of the TRDN gene, results from a G to T substitution at nucleotide position 1099. The alanine at codon 367 is replaced by serine, an amino acid with similar properties. This amino acid position is conserved. In addition, this alteration is predicted to be tolerated by in silico analysis. Since supporting evidence is limited at this time, the clinical significance of this alteration remains unclear.

NM_006073.4(TRDN):c.1099G>T (p.Ala367Ser)

Gene: TRDN (triadin; minus strand). Cytogenetic location: 6q22.31.
Variant type: single nucleotide variant.
Coding change: c.1099G>T on transcript NM_006073.4 (MANE Select); coding-DNA position 1099, G replaced by T.
Protein change: p.Ala367Ser; replaces alanine 367 with serine.
Molecular consequence: missense variant.
Genome position (GRCh38, 1-based): chr6:123,393,630, C>A on the plus strand (G>T on the coding strand, the complement: TRDN is on the minus strand). VCF-style: chr6-123393630-C-A. GRCh37 (hg19) VCF-style: chr6-123714775-C-A.
Other names: c.1102G>T, p.Ala368Ser (NM_001251987.2); c.1042G>T, p.Ala348Ser (NM_001407315.1); short protein forms A367S, A368S, A348S.
Identifiers: ClinVar variation 1791611 (VCV001791611.3), dbSNP rs1417279275, ClinGen allele CA365567118.